The following is an entry in ClinVar:

NM_005055.5(RAPSN):c.599G>A (p.Trp200Ter)

Gene: RAPSN (receptor associated protein of the synapse; minus strand). Cytogenetic location: 11p11.2.
Variant type: single nucleotide variant.
Coding change: c.599G>A on transcript NM_005055.5 (MANE Select); coding-DNA position 599, G replaced by A.
Protein change: p.Trp200Ter; replaces tryptophan 200 with a stop codon.
Molecular consequence: nonsense.
Genome position (GRCh38, 1-based): chr11:47,442,747, C>T on the plus strand (G>A on the coding strand, the complement: RAPSN is on the minus strand). VCF-style: chr11-47442747-C-T. GRCh37 (hg19) VCF-style: chr11-47464299-C-T.
Other names: c.599G>A, p.Trp200Ter (NM_032645.5); short protein forms W200*.
Identifiers: ClinVar variation 1072315 (VCV001072315.8), dbSNP rs1595899478, ClinGen allele CA380332256.

ClinVar aggregate classification (germline): Pathogenic/Likely pathogenic. Review status: criteria provided, multiple submitters, no conflicts (2 of 4 stars). 2 submissions from 2 submitters: Pathogenic (1); Likely pathogenic (1). Last evaluated 2023-05-25.

Conditions:
Fetal akinesia deformation sequence 2. Identifiers: MedGen C4760576, MONDO:0100102, OMIM 618388.
Congenital myasthenic syndrome 11. Also called: Myasthenic syndrome, congenital, 11, associated with acetylcholine receptor deficiency; MYASTHENIC SYNDROME, CONGENITAL, Ie. Identifiers: Orphanet 590, MedGen C4225367, MONDO:0014588, OMIM 616326.
Fetal akinesia deformation sequence 1 (FADS1). Also called: Fetal akinesia sequence; Pena-Shokeir syndrome type I. Identifiers: Orphanet 994, MedGen C1276035, MONDO:0100101, OMIM 208150, HP:0001989.

Submissions (2):

Baylor Genetics
Classification: Likely pathogenic for Fetal akinesia deformation sequence 2. Last evaluated: 2023-05-25. Review status: criteria provided, single submitter. Criteria: ACMG Guidelines, 2015. Collection method: clinical testing. Allele origin: unknown.

Labcorp Genetics (formerly Invitae), Labcorp
Classification: Pathogenic for Congenital myasthenic syndrome 11; Fetal akinesia deformation sequence 1. Last evaluated: 2020-05-25. Review status: criteria provided, single submitter. Criteria: Invitae Variant Classification Sherloc (09022015). Collection method: clinical testing. Allele origin: germline.
Comment: This variant is not present in population databases (ExAC no frequency). This variant has not been reported in the literature in individuals with RAPSN-related conditions. Loss-of-function variants in RAPSN are known to be pathogenic (PMID: 17686188). For these reasons, this variant has been classified as Pathogenic. This sequence change creates a premature translational stop signal (p.Trp200*) in the RAPSN gene. It is expected to result in an absent or disrupted protein product.

Literature cited by the submitters: PubMed 17686188 (cited by Labcorp Genetics (formerly Invitae), Labcorp).